The following is an entry in ClinVar:

NM_001358921.2(COQ2):c.97C>T (p.Arg33Cys)

Genes: COQ2 (coenzyme Q2, polyprenyltransferase; minus strand), LOC112997540 (Sharpr-MPRA regulatory region 13773; plus strand). Cytogenetic location: 4q21.23.
Variant type: single nucleotide variant.
Coding change: c.97C>T on transcript NM_001358921.2 (MANE Select); coding-DNA position 97, C replaced by T.
Protein change: p.Arg33Cys; replaces arginine 33 with cysteine.
Molecular consequence: missense variant.
Genome position (GRCh38, 1-based): chr4:83,284,668, G>A on the plus strand (C>T on the coding strand, the complement: COQ2 is on the minus strand). VCF-style: chr4-83284668-G-A. GRCh37 (hg19) VCF-style: chr4-84205821-G-A.
Other names: c.247C>T, p.Arg83Cys (NM_015697.9); short protein forms R33C, R83C.
Identifiers: ClinVar variation 2869954 (VCV002869954.3), dbSNP rs2529782230, ClinGen allele CA357231080.

ClinVar aggregate classification (germline): Uncertain significance (1 of 4 stars; one submission).

Allele frequency attached by ClinVar (database versions not stated): gnomAD exomes below 0.00001.
gnomAD v4.1: 1 of 1,436,396 alleles (0.00007%); highest among the groups gnomAD compares: Non-Finnish European, 0.000091%; no homozygotes.

Submission:

Labcorp Genetics (formerly Invitae), Labcorp
Classification: Uncertain significance. Last evaluated: 2023-10-03. Review status: criteria provided, single submitter. Criteria: Invitae Variant Classification Sherloc (09022015). Collection method: clinical testing. Allele origin: germline.
Comment: This sequence change replaces arginine, which is basic and polar, with cysteine, which is neutral and slightly polar, at codon 83 of the COQ2 protein (p.Arg83Cys). This variant is not present in population databases (gnomAD no frequency). This variant has not been reported in the literature in individuals affected with COQ2-related conditions. An algorithm developed to predict the effect of missense changes on protein structure and function (PolyPhen-2) suggests that this variant is likely to be disruptive. In summary, the available evidence is currently insufficient to determine the role of this variant in disease. Therefore, it has been classified as a Variant of Uncertain Significance.